The following is an entry in ClinVar:

ClinVar aggregate classification (germline): Benign. Review status: criteria provided, multiple submitters, no conflicts (2 of 4 stars). 4 submissions from 4 submitters: Benign (4). Last evaluated 2021-07-15.

Conditions:
Autosomal dominant nonsyndromic hearing loss 25. Identifiers: Orphanet 90635, MedGen C1854158, MONDO:0011568, OMIM 605583.

Allele frequency attached by ClinVar (database versions not stated): 1000 Genomes Project 0.37700; 1000 Genomes Project 30x 0.37773; TOPMed 0.44379; gnomAD 0.45586 and 0.45975; gnomAD exomes 0.45640 and 0.48621; ESP Exome Variant Server 0.45970; ExAC 0.48750.
gnomAD v4.1: 740,361 of 1,535,152 alleles (48%); highest among the groups gnomAD compares: Non-Finnish European, 50%; 181,426 homozygotes.

Submissions (4):

Genome-Nilou Lab
Classification: Benign for Autosomal dominant nonsyndromic hearing loss 25. Last evaluated: 2021-07-15. Review status: criteria provided, single submitter. Criteria: ACMG Guidelines, 2015. Collection method: clinical testing. Allele origin: germline. Affected: no.

GeneDx
Classification: Benign. Last evaluated: 2018-06-24. Review status: criteria provided, single submitter. Criteria: GeneDx Variant Classification Process June 2021. Collection method: clinical testing. Allele origin: germline. Affected: yes.

Illumina Laboratory Services, Illumina
Classification: Benign for Autosomal dominant nonsyndromic hearing loss 25. Last evaluated: 2018-01-13. Review status: criteria provided, single submitter. Criteria: ICSL Variant Classification Criteria 13 December 2019. Collection method: clinical testing. Allele origin: germline.
Comment: This variant was observed in the ICSL laboratory as part of a predisposition screen in an ostensibly healthy population. It had not been previously curated by ICSL or reported in the Human Gene Mutation Database (HGMD: prior to June 1st, 2018), and was therefore a candidate for classification through an automated scoring system. Utilizing variant allele frequency, disease prevalence and penetrance estimates, and inheritance mode, an automated score was calculated to assess if this variant is too frequent to cause the disease. Based on the score and internal cut-off values, a variant classified as benign is not then subjected to further curation. The score for this variant resulted in a classification of benign for this disease.

Breakthrough Genomics
Classification: Benign. Review status: criteria provided, single submitter. Criteria: ACMG Guidelines, 2015. Collection method: not provided. Allele origin: germline. Inheritance: Autosomal dominant inheritance. Affected: yes.

NM_139319.3(SLC17A8):c.*39A>C

Gene: SLC17A8 (solute carrier family 17 member 8; plus strand). Cytogenetic location: 12q23.1.
Variant type: single nucleotide variant.
Coding change: c.*39A>C on transcript NM_139319.3 (MANE Select); 39 bases downstream of the stop codon, A replaced by C.
Molecular consequence: 3 prime UTR variant.
Genome position (GRCh38, 1-based): chr12:100,420,198, A>C. VCF-style: chr12-100420198-A-C. GRCh37 (hg19) VCF-style: chr12-100813976-A-C.
Other names: c.*39A>C (NM_001145288.2).
Identifiers: ClinVar variation 306637 (VCV000306637.10), dbSNP rs11568537, ClinGen allele CA6739094.
Genomic context (GRCh38, chr12:100,420,198, plus strand): 5'-AAACTTCTCAACTATATCCTAATGTCTGAGAGGCACTTCTGTCTTCTCCTTACTTTAGAA[A>C]CAGAAAGTATCCATACCTATTGCCTTTCTTGTAGCCCAGCTTGCCAGAGGTCCAAATATT-3'